The following is an entry in ClinVar:

ClinVar aggregate classification (germline): Uncertain significance. Review status: criteria provided, multiple submitters, no conflicts (2 of 4 stars). 5 submissions from 5 submitters: Uncertain significance (5). Last evaluated 2026-08-06.

Conditions:
Cardiovascular phenotype. Identifiers: MedGen CN230736.
Cardiomyopathy, familial hypertrophic 27. Identifiers: MedGen C4748014, MONDO:0054838, OMIM 618052.

Allele frequency attached by ClinVar (database versions not stated): gnomAD 0.00001; ExAC 0.00002; gnomAD exomes 0.00001 and 0.00002; TOPMed 0.00002.
gnomAD v4.1: 27 of 1,613,962 alleles (0.0017%); highest among the groups gnomAD compares: Non-Finnish European, 0.0019%; no homozygotes.

Submissions (5):

OLLIN Analises Genomicas, OLLIN
Classification: Uncertain significance for Cardiomyopathy, familial hypertrophic 27. Last evaluated: 2026-08-06. Review status: criteria provided, single submitter. Criteria: ACMG Guidelines 2015 PMID 25741868. Collection method: clinical testing. Allele origin: germline. Inheritance: Autosomal recessive inheritance.
Comment: This missense variant, located in exon 5 (of 14), has been reported in ClinVar (accession VCV001378886.9) and in gnomAD with an allele frequency of 0.0017%. However, to our knowledge, it has not been reported in the scientific literature. In silico analysis is inconclusive regarding the impact of this variant. This gene has high tolerance to missense variation. According to the currently available evidence, this variant has been classified as uncertain significance (PM2_P, BP1).

Ambry Genetics
Classification: Uncertain significance for Cardiovascular phenotype. Last evaluated: 2025-10-25. Review status: criteria provided, single submitter. Criteria: Ambry Variant Classification Scheme 2023. Collection method: clinical testing. Allele origin: germline.
Comment: The p.P727L variant (also known as c.2180C>T), located in coding exon 5 of the ALPK3 gene, results from a C to T substitution at nucleotide position 2180. The proline at codon 727 is replaced by leucine, an amino acid with similar properties. This amino acid position is conserved. In addition, the in silico prediction for this alteration is inconclusive. Since supporting evidence is limited at this time, the clinical significance of this alteration remains unclear.

Labcorp Genetics (formerly Invitae), Labcorp
Classification: Uncertain significance. Last evaluated: 2025-09-16. Review status: criteria provided, single submitter. Criteria: Invitae Variant Classification Sherloc (09022015). Collection method: clinical testing. Allele origin: germline.
Comment: This sequence change replaces proline, which is neutral and non-polar, with leucine, which is neutral and non-polar, at codon 727 of the ALPK3 protein (p.Pro727Leu). This variant is present in population databases (rs767048211, gnomAD 0.004%). This variant has not been reported in the literature in individuals affected with ALPK3-related conditions. ClinVar contains an entry for this variant (Variation ID: 1378886). Invitae Evidence Modeling of protein sequence and biophysical properties (such as structural, functional, and spatial information, amino acid conservation, physicochemical variation, residue mobility, and thermodynamic stability) indicates that this missense variant is expected to disrupt ALPK3 protein function with a positive predictive value of 80%. In summary, the available evidence is currently insufficient to determine the role of this variant in disease. Therefore, it has been classified as a Variant of Uncertain Significance.

Dasa
Classification: Uncertain significance. Last evaluated: 2025-06-29. Review status: criteria provided, single submitter. Criteria: DASA Assertion Criteria. Collection method: clinical testing. Allele origin: germline.
Comment: NM_020778.5(ALPK3):c.1574C>T (p.Pro525Leu) is a missense variant that results in the substitution of proline with leucine. This variant is rare in population databases. Computational prediction algorithms are consistent with a benign effect. The currently available literature and clinical evidence are not sufficient to establish a definitive association between this variant and the reported condition. Therefore, this variant is classified as a variant of uncertain significance.

GeneDx
Classification: Uncertain significance. Last evaluated: 2023-11-06. Review status: criteria provided, single submitter. Criteria: GeneDx Variant Classification Process June 2021. Collection method: clinical testing. Allele origin: germline. Affected: yes.
Comment: Has not been previously published as pathogenic or benign to our knowledge; Not observed at significant frequency in large population cohorts (gnomAD); In silico analysis supports that this missense variant has a deleterious effect on protein structure/function

NM_020778.5(ALPK3):c.1574C>T (p.Pro525Leu)

Genes: ALPK3 (alpha kinase 3; plus strand), LOC111718493 (skeletal muscle cis-regulatory module overlapping ALPK3; plus strand). Cytogenetic location: 15q25.3.
Variant type: single nucleotide variant.
Coding change: c.1574C>T on transcript NM_020778.5 (MANE Select); coding-DNA position 1574, C replaced by T.
Protein change: p.Pro525Leu; replaces proline 525 with leucine.
Molecular consequence: missense variant.
Genome position (GRCh38, 1-based): chr15:84,840,853, C>T. VCF-style: chr15-84840853-C-T. GRCh37 (hg19) VCF-style: chr15-85384084-C-T.
Other names: c.2180C>T (NM_020778.4); short protein forms P525L.
Identifiers: ClinVar variation 1378886 (VCV001378886.12), dbSNP rs767048211, ClinGen allele CA7709217.
Genomic context (GRCh38, chr15:84,840,853, plus strand): 5'-CTCCAGAATGCGGGGCCCAGAGCTTAGGAAAGGCCCCACCTCAGGCCTCTGTGCAGGTGC[C>T]GACGCCCCCTGCCCGGCGGAGACATGGCACCCGGGACAGCACGTTGCAGGGGCAAGCAGG-3'
Protein context (NP_065829.4, residues 515-535): KAPPQASVQV[Pro525Leu]TPPARRRHGT